The following is an entry in ClinVar:

ClinVar aggregate classification (germline): Likely pathogenic (1 of 4 stars; one submission).

Conditions:
CSF3R-related disorder. Also called: CSF3R-related condition.

Submission:

PreventionGenetics, part of Exact Sciences
Classification: Likely pathogenic for CSF3R-related condition. Last evaluated: 2024-12-23. Review status: criteria provided, single submitter. Criteria: ACMG Guidelines, 2015. Collection method: clinical testing. Allele origin: germline.
Comment: The CSF3R c.2058delC variant is predicted to result in a frameshift and premature protein termination (p.Gly687Alafs*115). To our knowledge, this variant has not been reported in the literature or in a large population database (gnomAD), indicating this variant is rare. Frameshift variants in CSF3R are expected to be pathogenic. This variant is interpreted as likely pathogenic.

NM_000760.4(CSF3R):c.2058del (p.Gly687fs)

Gene: CSF3R (colony stimulating factor 3 receptor; minus strand). Cytogenetic location: 1p34.3.
Variant type: Deletion.
Coding change: c.2058del on transcript NM_000760.4 (MANE Select); coding-DNA position 2058, one base deleted (C; older notation c.2058delC).
Protein change: p.Gly687fs; shifts the reading frame from glycine 687.
Molecular consequence: frameshift variant.
Genome position (GRCh38, 1-based): chr1:36,466,810, G deleted on the plus strand (C on the coding strand, the reverse complement: CSF3R is on the minus strand); the first of 3 consecutive G bases (chr1:36,466,810-36,466,812); deleting any one gives the same sequence. VCF-style (leftmost placement, unchanged base first): chr1-36466809-CG-C. GRCh37 (hg19) VCF-style: chr1-36932410-CG-C.
Other names: c.2139del, p.Gly714fs (NM_156039.3); c.2058del, p.Gly687fs (NM_172313.3); short protein forms G687fs, G714fs.
Identifiers: ClinVar variation 5000778 (VCV005000778.1).